The following is an entry in ClinVar:

NM_018896.5(CACNA1G):c.1302G>A (p.Glu434=)

Gene: CACNA1G (calcium voltage-gated channel subunit alpha1 G; plus strand). Cytogenetic location: 17q21.33.
Variant type: single nucleotide variant.
Coding change: c.1302G>A on transcript NM_018896.5 (MANE Select); coding-DNA position 1302, G replaced by A.
Protein change: p.Glu434=; no amino-acid change (glutamic acid 434 retained).
Molecular consequence: synonymous variant. On other transcripts: non-coding transcript variant (5).
Genome position (GRCh38, 1-based): chr17:50,575,704, G>A. VCF-style: chr17-50575704-G-A. GRCh37 (hg19) VCF-style: chr17-48653065-G-A.
Other names: c.1302G>A, p.Glu434= (NM_001256324.2, NM_001256325.2, NM_001256326.2 and 24 more transcripts).
Identifiers: ClinVar variation 2647900 (VCV002647900.25), dbSNP rs1307896820, ClinGen allele CA500867358.

ClinVar aggregate classification (germline): Likely benign. Review status: criteria provided, multiple submitters, no conflicts (2 of 4 stars). 2 submissions from 2 submitters: Likely benign (2). Last evaluated 2024-05-28.

Allele frequency attached by ClinVar (database versions not stated): gnomAD exomes below 0.00001; gnomAD 0.00001; TOPMed 0.00001.
gnomAD v4.1: 4 of 1,605,696 alleles (0.00025%); highest among the groups gnomAD compares: Non-Finnish European, 0.00026%; no homozygotes.

Submissions (2):

Women's Health and Genetics/Laboratory Corporation of America, LabCorp
Classification: Likely benign. Last evaluated: 2024-05-28. Review status: criteria provided, single submitter. Criteria: LabCorp Variant Classification Summary - May 2015. Collection method: clinical testing. Allele origin: germline.

CeGaT Center for Human Genetics Tuebingen
Classification: Likely benign. Last evaluated: 2023-05-01. Review status: criteria provided, single submitter. Criteria: CeGaT Center For Human Genetics Tuebingen Variant Classification Criteria Version 2. Collection method: clinical testing. Allele origin: germline. Affected: yes. Observed: 1 variant allele.
Comment: CACNA1G: BP4, BP7